The following is an entry in ClinVar:

NM_024675.4(PALB2):c.1993G>A (p.Asp665Asn)

Gene: PALB2 (partner and localizer of BRCA2; minus strand). Cytogenetic location: 16p12.2.
Variant type: single nucleotide variant.
Coding change: c.1993G>A on transcript NM_024675.4 (MANE Select); coding-DNA position 1993, G replaced by A.
Protein change: p.Asp665Asn; replaces aspartic acid 665 with asparagine.
Molecular consequence: missense variant.
Genome position (GRCh38, 1-based): chr16:23,630,161, C>T on the plus strand (G>A on the coding strand, the complement: PALB2 is on the minus strand). VCF-style: chr16-23630161-C-T. GRCh37 (hg19) VCF-style: chr16-23641482-C-T.
Other names: c.1933G>A, p.Asp645Asn (NM_001407296.1); c.1993G>A, p.Asp665Asn (NM_001407297.1, NM_001407298.1, NM_001407299.1 and 3 more transcripts); c.1108G>A, p.Asp370Asn (NM_001407304.1, NM_001407305.1, NM_001407306.1 and 5 more transcripts); c.205G>A, p.Asp69Asn (NM_001407312.1, NM_001407313.1); short protein forms D370N, D665N, D645N, D69N.
Identifiers: ClinVar variation 1784015 (VCV001784015.6), dbSNP rs2142383972, ClinGen allele CA395127216.

ClinVar aggregate classification (germline): Uncertain significance. Review status: criteria provided, multiple submitters, no conflicts (2 of 4 stars). 3 submissions from 3 submitters: Uncertain significance (3). Last evaluated 2023-12-23.

Conditions:
Hereditary cancer-predisposing syndrome. Also called: Neoplastic Syndromes, Hereditary; Tumor predisposition; Hereditary Cancer Syndrome; Hereditary neoplastic syndrome. Identifiers: Orphanet 140162, MedGen C0027672, MeSH D009386, MONDO:0015356.
Familial cancer of breast. Also called: BREAST CANCER, FAMILIAL; Hereditary breast cancer; hereditary breast carcinoma. Identifiers: Orphanet 227535, MedGen C0346153, MONDO:0016419, OMIM 114480. Disease mechanism: loss of function.

Submissions (3):

Labcorp Genetics (formerly Invitae), Labcorp
Classification: Uncertain significance for Familial cancer of breast. Last evaluated: 2023-12-23. Review status: criteria provided, single submitter. Criteria: Invitae Variant Classification Sherloc (09022015). Collection method: clinical testing. Allele origin: germline.
Comment: This sequence change replaces aspartic acid, which is acidic and polar, with asparagine, which is neutral and polar, at codon 665 of the PALB2 protein (p.Asp665Asn). This variant is not present in population databases (gnomAD no frequency). This variant has not been reported in the literature in individuals affected with PALB2-related conditions. ClinVar contains an entry for this variant (Variation ID: 1784015). Advanced modeling of protein sequence and biophysical properties (such as structural, functional, and spatial information, amino acid conservation, physicochemical variation, residue mobility, and thermodynamic stability) performed at Invitae indicates that this missense variant is not expected to disrupt PALB2 protein function with a negative predictive value of 80%. In summary, the available evidence is currently insufficient to determine the role of this variant in disease. Therefore, it has been classified as a Variant of Uncertain Significance.

Baylor Genetics
Classification: Uncertain significance for Familial cancer of breast. Last evaluated: 2023-09-05. Review status: criteria provided, single submitter. Criteria: ACMG Guidelines, 2015. Collection method: clinical testing. Allele origin: unknown.

Ambry Genetics
Classification: Uncertain significance for Hereditary cancer-predisposing syndrome. Last evaluated: 2022-08-01. Review status: criteria provided, single submitter. Criteria: Ambry Variant Classification Scheme 2023. Collection method: clinical testing. Allele origin: germline.
Comment: The p.D665N variant (also known as c.1993G>A), located in coding exon 5 of the PALB2 gene, results from a G to A substitution at nucleotide position 1993. The aspartic acid at codon 665 is replaced by asparagine, an amino acid with highly similar properties. This amino acid position is conserved. In addition, this alteration is predicted to be tolerated by in silico analysis. Since supporting evidence is limited at this time, the clinical significance of this alteration remains unclear.